The following is an entry in ClinVar:

ClinVar aggregate classification (germline): Benign/Likely benign. Review status: criteria provided, multiple submitters, no conflicts (2 of 4 stars). 5 submissions from 5 submitters: Benign (4); Likely benign (1). Last evaluated 2026-02-04.

Conditions:
Primary familial hypertrophic cardiomyopathy (HCM). Identifiers: Orphanet 99739, MedGen C0949658, MeSH D024741, MONDO:0024573. Inheritance: Various modes of inheritance.

Allele frequency attached by ClinVar (database versions not stated): gnomAD exomes 0.27055; ExAC 0.27821; ESP Exome Variant Server 0.32692; TOPMed 0.33017; 1000 Genomes Project 30x 0.34463; 1000 Genomes Project 0.34744.
gnomAD v4.1: 430,398 of 1,613,698 alleles (27%); highest among the groups gnomAD compares: African/African-American, 48%; 59,867 homozygotes.

Submissions (5):

Labcorp Genetics (formerly Invitae), Labcorp
Classification: Benign for Primary familial hypertrophic cardiomyopathy. Last evaluated: 2026-02-04. Review status: criteria provided, single submitter. Criteria: Invitae Variant Classification Sherloc (09022015). Collection method: clinical testing. Allele origin: germline.

Ambry Genetics
Classification: Likely benign. Last evaluated: 2022-05-17. Review status: criteria provided, single submitter. Criteria: Ambry Variant Classification Scheme 2023. Collection method: clinical testing. Allele origin: germline.

Laboratory for Molecular Medicine, Mass General Brigham Personalized Medicine
Classification: Benign. Last evaluated: 2014-11-24. Review status: criteria provided, single submitter. Criteria: LMM Criteria. Collection method: clinical testing. Allele origin: germline. Observed: 258 variant alleles.
Comment: Pro273Pro in exon 9 of ILK: This variant is not expected to have clinical signif icance because it does not alter an amino acid residue and is not located within the splice consensus sequence. It has been identified in 47.4% (2088/4402) of A frican American chromosomes from a broad population by the NHLBI Exome Sequencin g Project (dbSNP rs1043390).

GeneDx
Classification: Benign. Last evaluated: 2014-01-08. Review status: criteria provided, single submitter. Criteria: GeneDx Variant Classification (06012015). Collection method: clinical testing. Allele origin: germline. Affected: yes.
Comment: This variant is considered likely benign or benign based on one or more of the following criteria: it is a conservative change, it occurs at a poorly conserved position in the protein, it is predicted to be benign by multiple in silico algorithms, and/or has population frequency not consistent with disease.

Breakthrough Genomics
Classification: Benign. Review status: criteria provided, single submitter. Criteria: ACMG Guidelines, 2015. Collection method: not provided. Allele origin: germline. Inheritance: Unknown mechanism. Affected: yes.

NM_004517.4(ILK):c.819G>A (p.Pro273=)

Genes: ILK (integrin linked kinase; plus strand), TAF10 (TATA-box binding protein associated factor 10; minus strand). Cytogenetic location: 11p15.4.
Variant type: single nucleotide variant.
Coding change: c.819G>A on transcript NM_004517.4 (MANE Select); coding-DNA position 819, G replaced by A.
Protein change: p.Pro273=; no amino-acid change (proline 273 retained).
Molecular consequence: synonymous variant. On other transcripts: 3 prime UTR variant (1).
Genome position (GRCh38, 1-based): chr11:6,609,602, G>A. VCF-style: chr11-6609602-G-A. GRCh37 (hg19) VCF-style: chr11-6630833-G-A.
Other names: p.P273P:CCG>CCA; c.819G>A, p.Pro273= (NM_001014794.3, NM_001014795.3); c.636G>A, p.Pro212= (NM_001278441.2); c.417G>A, p.Pro139= (NM_001278442.2); c.*1320C>T (NM_006284.4).
Identifiers: ClinVar variation 137590 (VCV000137590.18), dbSNP rs1043390, ClinGen allele CA333077.